The following is an entry in ClinVar:

ClinVar aggregate classification (germline): Likely benign (0 of 4 stars; one submission).

Conditions:
SIN3B-related disorder. Also called: SIN3B-related condition.

Allele frequency attached by ClinVar (database versions not stated): gnomAD 0.00005; TOPMed 0.00006; ExAC 0.00008; gnomAD exomes 0.00008; ESP Exome Variant Server 0.00031.
gnomAD v4.1: 129 of 1,613,740 alleles (0.008%); highest among the groups gnomAD compares: Middle Eastern, 0.016%; no homozygotes.

Submission:

PreventionGenetics, part of Exact Sciences
Classification: Likely benign for SIN3B-related condition. Last evaluated: 2019-09-10. Review status: no assertion criteria provided. Collection method: clinical testing. Allele origin: germline.
Comment: This variant is classified as likely benign based on ACMG/AMP sequence variant interpretation guidelines (Richards et al. 2015 PMID: 25741868, with internal and published modifications).

NM_001297595.2(SIN3B):c.1509G>A (p.Thr503=)

Gene: SIN3B (SIN3 transcription regulator family member B; plus strand). Cytogenetic location: 19p13.11.
Variant type: single nucleotide variant.
Coding change: c.1509G>A on transcript NM_001297595.2 (MANE Select); coding-DNA position 1509, G replaced by A.
Protein change: p.Thr503=; no amino-acid change (threonine 503 retained).
Molecular consequence: synonymous variant.
Genome position (GRCh38, 1-based): chr19:16,865,535, G>A. VCF-style: chr19-16865535-G-A. GRCh37 (hg19) VCF-style: chr19-16976346-G-A.
Other names: c.279G>A, p.Thr93= (NM_001297597.2); c.1605G>A, p.Thr535= (NM_015260.4).
Identifiers: ClinVar variation 3040221 (VCV003040221.2), dbSNP rs137988170, ClinGen allele CA9283214.
Genomic context (GRCh38, chr19:16,865,535, plus strand): 5'-GTCTCGGATGGCGCCGGAAGACCAGGAGAAGTTCCGGCTGGACGACTCCCTGGGAGGCAC[G>A]TCGGAGGTGATCCAGCGCCGTGCCATTTATCGCATCTATGGCGACAAGGCCCCGGAGATC-3'
Protein context (NP_001284524.1, residues 493-513): KFRLDDSLGG[Thr503=]SEVIQRRAIY